The following is an entry in ClinVar:

ClinVar aggregate classification (germline): Pathogenic. Review status: criteria provided, multiple submitters, no conflicts (2 of 4 stars). 3 submissions from 3 submitters: Pathogenic (2). 1 of the submissions does not count toward it. Last evaluated 2026-01-20.

Conditions:
OTOG-related disorder. Also called: OTOG-related condition.
Autosomal recessive nonsyndromic hearing loss 18B. Also called: Deafness, autosomal recessive 18b. Identifiers: Orphanet 90636, MedGen C3554163, MONDO:0013985, OMIM 614945.

Submissions (3):

PreventionGenetics, part of Exact Sciences
Classification: Pathogenic for OTOG-related condition. Last evaluated: 2026-01-20. Review status: criteria provided, single submitter. Criteria: ACMG Guidelines, 2015. Collection method: clinical testing. Allele origin: germline.
Comment: The OTOG c.5508delC variant is predicted to result in a frameshift and premature protein termination (p.Ala1838Profs*31). This variant was reported in the homozygous state in four siblings with nonsyndromic hearing loss (Schraders et al. 2012. PubMed ID: 23122587; Oonk et al. 2014. PubMed ID: 24378291). This variant is reported in 0.0042% of alleles in individuals of European (Non-Finnish) descent in gnomAD. Frameshift variants in OTOG are expected to be pathogenic. This variant is interpreted as pathogenic.

Victorian Clinical Genetics Services, Murdoch Childrens Research Institute
Classification: Pathogenic for Autosomal recessive nonsyndromic hearing loss 18B. Last evaluated: 2021-05-06. Review status: criteria provided, single submitter. Criteria: ACMG Guidelines, 2015. Collection method: clinical testing. Allele origin: germline. Inheritance: Autosomal recessive inheritance.
Comment: Based on the classification scheme VCGS_Germline_v1.3.4, this variant is classified as Pathogenic. Following criteria are met: 0102 - Loss of function is a known mechanism of disease in this gene and is associated with deafness, autosomal recessive 18B (MIM#614945). (I) 0106 - This gene is associated with autosomal recessive disease. (I) 0201 - Variant is predicted to cause nonsense-mediated decay (NMD) and loss of protein (premature termination codon is located at least 54 nucleotides upstream of the final exon-exon junction). (SP) 0251 - This variant is heterozygous. (I) 0304 - Variant is present in gnomAD (v3) <0.01 for a recessive condition (5 heterozygotes, 0 homozygotes). (SP) 0701 - Other NMD-predicted variants comparable to the one identified in this case have very strong previous evidence for pathogenicity. These variants have been reported multiple times as pathogenic and observed in patients with hearing loss (ClinVar, PMID: 31645975). (SP) 0803 - This variant has limited previous evidence of pathogenicity in an individual. This variant has been reported as pathogenic and observed in homozygous state in a single family with hearing loss (ClinVar, LOVD, PMID: 23122587). (SP) 0902 - This variant has moderate evidence for segregation with disease. This variant segregated within four homozygous siblings with hearing loss (PMID: 23122587). (SP) 1007 - No published functional evidence has been identified for this variant. (I) 1208 - Inheritance information for this variant is not currently available in this individual. (I) Legend: (SP) - Supporting pathogenic, (I) - Information, (SB) - Supporting benign

OMIM
Classification: Pathogenic for DEAFNESS, AUTOSOMAL RECESSIVE 18B. Last evaluated: 2012-11-02. Review status: no assertion criteria provided. Collection method: literature only. Allele origin: germline. Not counted in ClinVar's aggregate classification.

Literature cited by the submitters: PubMed 23122587 (cited by Victorian Clinical Genetics Services, Murdoch Childrens Research Institute and OMIM); PubMed 31645975 (cited by Victorian Clinical Genetics Services, Murdoch Childrens Research Institute).

NM_001292063.2(OTOG):c.5472del (p.Ala1826fs)

Gene: OTOG (otogelin; plus strand). Cytogenetic location: 11p15.1.
Variant type: Deletion.
Coding change: c.5472del on transcript NM_001292063.2 (MANE Select); coding-DNA position 5472, one base deleted (C; older notation c.5472delC).
Protein change: p.Ala1826fs; shifts the reading frame from alanine 1826.
Molecular consequence: frameshift variant.
Genome position (GRCh38, 1-based): chr11:17,610,772, C deleted; the last of 4 consecutive C bases (chr11:17,610,769-17,610,772); deleting any one gives the same sequence. VCF-style (leftmost placement, unchanged base first): chr11-17610768-GC-G. GRCh37 (hg19) VCF-style: chr11-17632315-GC-G.
Other names: c.5508delC (NM_001277269.1); c.5508del, p.Ala1838fs (NM_001277269.2); short protein forms A1826fs, A1838fs.
Identifiers: ClinVar variation 39817 (VCV000039817.3), dbSNP rs1029389440, ClinGen allele CA218476575.